The following is an entry in ClinVar:

NM_000083.3(CLCN1):c.364G>A (p.Val122Met)

Gene: CLCN1 (chloride voltage-gated channel 1; plus strand). Cytogenetic location: 7q34.
Variant type: single nucleotide variant.
Coding change: c.364G>A on transcript NM_000083.3 (MANE Select); coding-DNA position 364, G replaced by A.
Protein change: p.Val122Met; replaces valine 122 with methionine.
Molecular consequence: missense variant. On other transcripts: non-coding transcript variant (1).
Genome position (GRCh38, 1-based): chr7:143,320,726, G>A. VCF-style: chr7-143320726-G-A. GRCh37 (hg19) VCF-style: chr7-143017819-G-A.
Other names: short protein forms V122M.
Identifiers: ClinVar variation 2542056 (VCV002542056.5), dbSNP rs528823552, ClinGen allele CA4536921.

ClinVar aggregate classification (germline): Uncertain significance. Review status: criteria provided, multiple submitters, no conflicts (2 of 4 stars). 4 submissions from 4 submitters: Uncertain significance (4). Last evaluated 2026-01-16.

Conditions:
Congenital myotonia, autosomal dominant form (THD). Also called: THOMSEN DISEASE; Myotonia congenita autosomal dominant. Identifiers: Orphanet 614, MedGen C2936781, MONDO:0008055, OMIM 160800.
Congenital myotonia, autosomal recessive form. Also called: Becker Generalized Myotonia; myotonia congenita, autosomal recessive; BECKER DISEASE. Identifiers: Orphanet 614, MedGen C0751360, MONDO:0009715, OMIM 255700.
Inborn genetic diseases. Identifiers: MedGen C0950123, MeSH D030342.

Allele frequency attached by ClinVar (database versions not stated): TOPMed 0.00001; 1000 Genomes Project 30x 0.00031; 1000 Genomes Project 0.00040; ExAC 0.00001.
gnomAD v4.1: 9 of 1,613,560 alleles (0.00056%); highest among the groups gnomAD compares: East Asian, 0.02%; no homozygotes.

Submissions (4):

Women's Health and Genetics/Laboratory Corporation of America, LabCorp
Classification: Uncertain significance. Last evaluated: 2026-01-16. Review status: criteria provided, single submitter. Criteria: LabCorp Variant Classification Summary - May 2015. Collection method: clinical testing. Allele origin: germline.
Comment: Variant summary: CLCN1 c.364G>A (p.Val122Met) results in a conservative amino acid change in the encoded protein sequence. Algorithms developed to predict the effect of missense changes on protein structure and function are either unavailable or do not agree on the potential impact of this missense change. The variant allele was found at a frequency of 2e-05 in 251494 control chromosomes. The available data on variant occurrences in the general population are insufficient to allow any conclusion about variant significance. c.364G>A has been observed in at least one heterozygous individual affected with Myotonia congenita (e.g. He_2024). These report(s) do not provide unequivocal conclusions about association of the variant with Myotonia congenita. To our knowledge, no experimental evidence demonstrating an impact on protein function has been reported. The following publication has been ascertained in the context of this evaluation (PMID: 38720415). ClinVar contains an entry for this variant (Variation ID: 2542056). Based on the evidence outlined above, the variant was classified as uncertain significance.

Labcorp Genetics (formerly Invitae), Labcorp
Classification: Uncertain significance for Congenital myotonia, autosomal recessive form; Congenital myotonia, autosomal dominant form. Last evaluated: 2024-11-09. Review status: criteria provided, single submitter. Criteria: Invitae Variant Classification Sherloc (09022015). Collection method: clinical testing. Allele origin: germline.
Comment: This sequence change replaces valine, which is neutral and non-polar, with methionine, which is neutral and non-polar, at codon 122 of the CLCN1 protein (p.Val122Met). This variant is present in population databases (rs528823552, gnomAD 0.03%). This variant has not been reported in the literature in individuals affected with CLCN1-related conditions. ClinVar contains an entry for this variant (Variation ID: 2542056). Invitae Evidence Modeling of protein sequence and biophysical properties (such as structural, functional, and spatial information, amino acid conservation, physicochemical variation, residue mobility, and thermodynamic stability) has been performed for this missense variant. However, the output from this modeling did not meet the statistical confidence thresholds required to predict the impact of this variant on CLCN1 protein function. In summary, the available evidence is currently insufficient to determine the role of this variant in disease. Therefore, it has been classified as a Variant of Uncertain Significance.

GeneDx
Classification: Uncertain significance. Last evaluated: 2024-02-07. Review status: criteria provided, single submitter. Criteria: GeneDx Variant Classification Process June 2021. Collection method: clinical testing. Allele origin: germline. Affected: yes.
Comment: In silico analysis supports that this missense variant does not alter protein structure/function; Has not been previously published as pathogenic or benign to our knowledge

Ambry Genetics
Classification: Uncertain significance for Inborn genetic diseases. Last evaluated: 2023-05-03. Review status: criteria provided, single submitter. Criteria: Ambry Variant Classification Scheme 2023. Collection method: clinical testing. Allele origin: germline.

Literature cited by the submitters: PubMed 38720415 (cited by Women's Health and Genetics/Laboratory Corporation of America, LabCorp).